The following is an entry in ClinVar:

ClinVar aggregate classification (germline): Uncertain significance (1 of 4 stars; one submission).

Conditions:
ALG6-congenital disorder of glycosylation 1C (CDG1C). Also called: Congenital disorder of glycosylation type 1C; CARBOHYDRATE-DEFICIENT GLYCOPROTEIN SYNDROME, TYPE I, WITH DEFICIENT GLYCOSYLATION OF DOLICHOL-LINKED OLIGOSACCHARIDE; CARBOHYDRATE-DEFICIENT GLYCOPROTEIN SYNDROME, TYPE V; Congenital disorder of glycosylation, type Ic; CDG Ic. Identifiers: Orphanet 79320, MedGen C2930997, MONDO:0011291, OMIM 603147.

Submission:

Labcorp Genetics (formerly Invitae), Labcorp
Classification: Uncertain significance for ALG6-congenital disorder of glycosylation 1C. Last evaluated: 2022-03-06. Review status: criteria provided, single submitter. Criteria: Invitae Variant Classification Sherloc (09022015). Collection method: clinical testing. Allele origin: germline.
Comment: This variant has not been reported in the literature in individuals affected with ALG6-related conditions. This variant is not present in population databases (gnomAD no frequency). This sequence change replaces valine, which is neutral and non-polar, with isoleucine, which is neutral and non-polar, at codon 275 of the ALG6 protein (p.Val275Ile). Algorithms developed to predict the effect of missense changes on protein structure and function are either unavailable or do not agree on the potential impact of this missense change (SIFT: "Tolerated"; PolyPhen-2: "Possibly Damaging"; Align-GVGD: "Class C0"). In summary, the available evidence is currently insufficient to determine the role of this variant in disease. Therefore, it has been classified as a Variant of Uncertain Significance.

NM_013339.4(ALG6):c.823G>A (p.Val275Ile)

Gene: ALG6 (ALG6 alpha-1,3-glucosyltransferase; plus strand). Cytogenetic location: 1p31.3.
Variant type: single nucleotide variant.
Coding change: c.823G>A on transcript NM_013339.4 (MANE Select); coding-DNA position 823, G replaced by A.
Protein change: p.Val275Ile; replaces valine 275 with isoleucine.
Molecular consequence: missense variant.
Genome position (GRCh38, 1-based): chr1:63,414,067, G>A. VCF-style: chr1-63414067-G-A. GRCh37 (hg19) VCF-style: chr1-63879738-G-A.
Other names: short protein forms V275I.
Identifiers: ClinVar variation 2107287 (VCV002107287.4), dbSNP rs1271387707, ClinGen allele CA340636348.